The following is an entry in ClinVar:

ClinVar aggregate classification (germline): Uncertain significance (1 of 4 stars; one submission).

Conditions:
Cardiovascular phenotype. Identifiers: MedGen CN230736.

Submission:

Ambry Genetics
Classification: Uncertain significance for Cardiovascular phenotype. Last evaluated: 2021-05-06. Review status: criteria provided, single submitter. Criteria: Ambry Variant Classification Scheme 2023. Collection method: clinical testing. Allele origin: germline.
Comment: The p.K197* variant (also known as c.589A>T), located in coding exon 4 of the SCN4B gene, results from an A to T substitution at nucleotide position 589. This changes the amino acid from a lysine to a stop codon within coding exon 4. This alteration occurs at the 3' terminus of theSCN4B gene, is not expected to trigger nonsense-mediated mRNAdecay, and only impacts the last 32 amino acids of the protein. The exact functional effect of this alteration is unknown. However, loss of function of SCN4B has not been clearly established as a mechanism of disease. Since supporting evidence is limited at this time, the clinical significance of this alteration remains unclear.

NM_174934.4(SCN4B):c.589A>T (p.Lys197Ter)

Gene: SCN4B (sodium voltage-gated channel beta subunit 4; minus strand). Cytogenetic location: 11q23.3.
Variant type: single nucleotide variant.
Coding change: c.589A>T on transcript NM_174934.4 (MANE Select); coding-DNA position 589, A replaced by T.
Protein change: p.Lys197Ter; replaces lysine 197 with a stop codon.
Molecular consequence: nonsense. On other transcripts: non-coding transcript variant (1).
Genome position (GRCh38, 1-based): chr11:118,141,211, T>A on the plus strand (A>T on the coding strand, the complement: SCN4B is on the minus strand). VCF-style: chr11-118141211-T-A. GRCh37 (hg19) VCF-style: chr11-118011926-T-A.
Other names: c.187A>T, p.Lys63Ter (NM_001142348.2); c.259A>T, p.Lys87Ter (NM_001142349.2); short protein forms K197*, K63*, K87*.
Identifiers: ClinVar variation 1750354 (VCV001750354.2), dbSNP rs1230446349, ClinGen allele CA382777415.